The following is an entry in ClinVar:

NM_000051.4(ATM):c.6439C>G (p.Leu2147Val)

Genes: ATM (ATM serine/threonine kinase; plus strand), C11orf65 (chromosome 11 open reading frame 65; minus strand). Cytogenetic location: 11q22.3.
Variant type: single nucleotide variant.
Coding change: c.6439C>G on transcript NM_000051.4 (MANE Select); coding-DNA position 6439, C replaced by G.
Protein change: p.Leu2147Val; replaces leucine 2147 with valine.
Molecular consequence: missense variant. On other transcripts: intron variant (2).
Genome position (GRCh38, 1-based): chr11:108,320,045, C>G. VCF-style: chr11-108320045-C-G. GRCh37 (hg19) VCF-style: chr11-108190772-C-G.
Other names: c.6439C>G, p.Leu2147Val (NM_001351834.2); c.641-10974G>C (NM_001330368.2); c.*39-10974G>C (NM_001351110.2); short protein forms L2147V.
Identifiers: ClinVar variation 1753520 (VCV001753520.5), dbSNP rs2136222253, ClinGen allele CA382553609.

ClinVar aggregate classification (germline): Uncertain significance. Review status: criteria provided, multiple submitters, no conflicts (2 of 4 stars). 2 submissions from 2 submitters: Uncertain significance (2). Last evaluated 2023-07-07.

Conditions:
Hereditary cancer-predisposing syndrome. Also called: Hereditary neoplastic syndrome; Neoplastic Syndromes, Hereditary; Tumor predisposition; Hereditary Cancer Syndrome. Identifiers: Orphanet 140162, MedGen C0027672, MeSH D009386, MONDO:0015356.
Ataxia-telangiectasia syndrome (AT). Also called: Ataxia telangiectasia (A-T); LOUIS-BAR SYNDROME; Cerebello-oculocutaneous telangiectasia; Immunodeficiency with ataxia telangiectasia; Ataxia-telangiectasia, complementation group D; AT, COMPLEMENTATION GROUP C. Identifiers: Orphanet 100, MedGen C0004135, MONDO:0008840, OMIM 208900.

Allele frequency attached by ClinVar (database versions not stated): gnomAD exomes below 0.00001.
gnomAD v4.1: 1 of 1,592,926 alleles (0.000063%); highest among the groups gnomAD compares: South Asian, 0.0011%; no homozygotes.

Submissions (2):

Labcorp Genetics (formerly Invitae), Labcorp
Classification: Uncertain significance for Ataxia-telangiectasia syndrome. Last evaluated: 2023-07-07. Review status: criteria provided, single submitter. Criteria: Invitae Variant Classification Sherloc (09022015). Collection method: clinical testing. Allele origin: germline.
Comment: This sequence change replaces leucine, which is neutral and non-polar, with valine, which is neutral and non-polar, at codon 2147 of the ATM protein (p.Leu2147Val). This variant is not present in population databases (gnomAD no frequency). This variant has not been reported in the literature in individuals affected with ATM-related conditions. ClinVar contains an entry for this variant (Variation ID: 1753520). An algorithm developed to predict the effect of missense changes on protein structure and function (PolyPhen-2) suggests that this variant is likely to be disruptive. In summary, the available evidence is currently insufficient to determine the role of this variant in disease. Therefore, it has been classified as a Variant of Uncertain Significance.

Ambry Genetics
Classification: Uncertain significance for Hereditary cancer-predisposing syndrome. Last evaluated: 2020-10-22. Review status: criteria provided, single submitter. Criteria: Ambry Variant Classification Scheme 2023. Collection method: clinical testing. Allele origin: germline.
Comment: The p.L2147V variant (also known as c.6439C>G), located in coding exon 43 of the ATM gene, results from a C to G substitution at nucleotide position 6439. The leucine at codon 2147 is replaced by valine, an amino acid with highly similar properties. This amino acid position is highly conserved in available vertebrate species. In addition, the in silico prediction for this alteration is inconclusive. Since supporting evidence is limited at this time, the clinical significance of this alteration remains unclear.